The following is an entry in ClinVar:

NM_001257291.2(SLC9A7):c.494A>G (p.Asn165Ser)

Gene: SLC9A7 (solute carrier family 9 member A7; minus strand). Cytogenetic location: Xp11.3.
Variant type: single nucleotide variant.
Coding change: c.494A>G on transcript NM_001257291.2 (MANE Select); coding-DNA position 494, A replaced by G.
Protein change: p.Asn165Ser; replaces asparagine 165 with serine.
Molecular consequence: missense variant.
Genome position (GRCh38, 1-based): chrX:46,682,367, T>C on the plus strand (A>G on the coding strand, the complement: SLC9A7 is on the minus strand). VCF-style: chrX-46682367-T-C. GRCh37 (hg19) VCF-style: chrX-46541802-T-C.
Other names: c.494A>G, p.Asn165Ser (NM_032591.3); short protein forms N165S.
Identifiers: ClinVar variation 1719330 (VCV001719330.5), dbSNP rs1350560127, ClinGen allele CA413033883.

ClinVar aggregate classification (germline): Uncertain significance (1 of 4 stars; one submission).

Submission:

Labcorp Genetics (formerly Invitae), Labcorp
Classification: Uncertain significance. Last evaluated: 2022-09-13. Review status: criteria provided, single submitter. Criteria: Invitae Variant Classification Sherloc (09022015). Collection method: clinical testing. Allele origin: germline.
Comment: This sequence change replaces asparagine, which is neutral and polar, with serine, which is neutral and polar, at codon 165 of the SLC9A7 protein (p.Asn165Ser). This variant is present in population databases (no rsID available, gnomAD 0.004%). This variant has not been reported in the literature in individuals affected with SLC9A7-related conditions. Algorithms developed to predict the effect of missense changes on protein structure and function are either unavailable or do not agree on the potential impact of this missense change (SIFT: "Tolerated"; PolyPhen-2: "Not Available"; Align-GVGD: "Class C0"). In summary, the available evidence is currently insufficient to determine the role of this variant in disease. Therefore, it has been classified as a Variant of Uncertain Significance.